The following is an entry in ClinVar:

ClinVar aggregate classification (germline): Uncertain significance (1 of 4 stars; one submission).

Allele frequency attached by ClinVar (database versions not stated): gnomAD exomes below 0.00001.

Submission:

GeneDx
Classification: Uncertain significance. Last evaluated: 2023-09-27. Review status: criteria provided, single submitter. Criteria: GeneDx Variant Classification Process June 2021. Collection method: clinical testing. Allele origin: germline.
Comment: Not observed at significant frequency in large population cohorts (gnomAD); In silico analysis supports that this missense variant does not alter protein structure/function; Has not been previously published as pathogenic or benign to our knowledge

NM_014516.4(CNOT3):c.1274G>A (p.Gly425Asp)

Gene: CNOT3 (CCR4-NOT transcription complex subunit 3; plus strand). Cytogenetic location: 19q13.42.
Variant type: single nucleotide variant.
Coding change: c.1274G>A on transcript NM_014516.4 (MANE Select); coding-DNA position 1274, G replaced by A.
Protein change: p.Gly425Asp; replaces glycine 425 with aspartic acid.
Molecular consequence: missense variant.
Genome position (GRCh38, 1-based): chr19:54,148,527, G>A. VCF-style: chr19-54148527-G-A. GRCh37 (hg19) VCF-style: chr19-54652262-G-A.
Other names: short protein forms G425D.
Identifiers: ClinVar variation 2580674 (VCV002580674.2), dbSNP rs2518156964, ClinGen allele CA407765242.